The following is an entry in ClinVar:

NM_001287.6(CLCN7):c.74G>A (p.Arg25Gln)

Genes: CLCN7 (chloride voltage-gated channel 7; minus strand), LOC130058166 (ATAC-STARR-seq lymphoblastoid silent region 6986; plus strand). Cytogenetic location: 16p13.3.
Variant type: single nucleotide variant.
Coding change: c.74G>A on transcript NM_001287.6 (MANE Select); coding-DNA position 74, G replaced by A.
Protein change: p.Arg25Gln; replaces arginine 25 with glutamine.
Molecular consequence: missense variant.
Genome position (GRCh38, 1-based): chr16:1,474,901, C>T on the plus strand (G>A on the coding strand, the complement: CLCN7 is on the minus strand). VCF-style: chr16-1474901-C-T. GRCh37 (hg19) VCF-style: chr16-1524902-C-T.
Other names: c.74G>A (NM_001287.4); c.74G>A, p.Arg25Gln (NM_001114331.3); short protein forms R25Q.
Identifiers: ClinVar variation 1396745 (VCV001396745.7), dbSNP rs779004440, ClinGen allele CA394194100.

ClinVar aggregate classification (germline): Uncertain significance. Review status: criteria provided, multiple submitters, no conflicts (2 of 4 stars). 2 submissions from 2 submitters: Uncertain significance (2). Last evaluated 2024-02-17.

Conditions:
Inborn genetic diseases. Identifiers: MedGen C0950123, MeSH D030342.

Submissions (2):

Labcorp Genetics (formerly Invitae), Labcorp
Classification: Uncertain significance. Last evaluated: 2024-02-17. Review status: criteria provided, single submitter. Criteria: Invitae Variant Classification Sherloc (09022015). Collection method: clinical testing. Allele origin: germline.
Comment: This sequence change replaces arginine, which is basic and polar, with glutamine, which is neutral and polar, at codon 25 of the CLCN7 protein (p.Arg25Gln). This variant is not present in population databases (gnomAD no frequency). This variant has not been reported in the literature in individuals affected with CLCN7-related conditions. ClinVar contains an entry for this variant (Variation ID: 1396745). An algorithm developed to predict the effect of missense changes on protein structure and function (PolyPhen-2) suggests that this variant is likely to be tolerated. In summary, the available evidence is currently insufficient to determine the role of this variant in disease. Therefore, it has been classified as a Variant of Uncertain Significance.

Ambry Genetics
Classification: Uncertain significance for Inborn genetic diseases. Last evaluated: 2022-08-30. Review status: criteria provided, single submitter. Criteria: Ambry Variant Classification Scheme 2023. Collection method: clinical testing. Allele origin: germline.